The following is an entry in ClinVar:

ClinVar aggregate classification (germline): Uncertain significance. Review status: criteria provided, multiple submitters, no conflicts (2 of 4 stars). 4 submissions from 4 submitters: Uncertain significance (4). Last evaluated 2025-01-13.

Conditions:
Emery-Dreifuss muscular dystrophy 4, autosomal dominant (EDMD4). Also called: EMERY-DREIFUSS MUSCULAR DYSTROPHY 4 WITH VARIABLE FEATURES. Identifiers: Orphanet 261, MedGen C2751807, MONDO:0013071, OMIM 612998.
Autosomal recessive ataxia, Beauce type. Also called: Spinocerebellar ataxia, autosomal recessive 8; ATAXIA, RECESSIVE, OF BEAUCE; SYNE1-Related Autosomal Recessive Cerebellar Ataxia; SYNE1 Deficiency. Identifiers: Orphanet 88644, MedGen C1853116, MONDO:0012549, OMIM 610743.

Allele frequency attached by ClinVar (database versions not stated): ExAC 0.00001; gnomAD exomes 0.00001; TOPMed 0.00001; gnomAD 0.00002.
gnomAD v4.1: 5 of 1,614,076 alleles (0.00031%); highest among the groups gnomAD compares: African/African-American, 0.004%; no homozygotes.

Submissions (4):

Women's Health and Genetics/Laboratory Corporation of America, LabCorp
Classification: Uncertain significance. Last evaluated: 2025-01-13. Review status: criteria provided, single submitter. Criteria: LabCorp Variant Classification Summary - May 2015. Collection method: clinical testing. Allele origin: germline.
Comment: Variant summary: SYNE1 c.9868A>C (p.Asn3290His) results in a conservative amino acid change in the encoded protein sequence. Four of five in-silico tools predict a benign effect of the variant on protein function. The variant allele was found at a frequency of 8e-06 in 251478 control chromosomes. The available data on variant occurrences in the general population are insufficient to allow any conclusion about variant significance. To our knowledge, no occurrence of c.9868A>C in individuals affected with Autosomal recessive ataxia, Beauce type and no experimental evidence demonstrating its impact on protein function have been reported. ClinVar contains an entry for this variant (Variation ID: 448617). Based on the evidence outlined above, the variant was classified as uncertain significance.

Labcorp Genetics (formerly Invitae), Labcorp
Classification: Uncertain significance for Emery-Dreifuss muscular dystrophy 4, autosomal dominant; Autosomal recessive ataxia, Beauce type. Last evaluated: 2022-04-25. Review status: criteria provided, single submitter. Criteria: Invitae Variant Classification Sherloc (09022015). Collection method: clinical testing. Allele origin: germline.
Comment: In summary, the available evidence is currently insufficient to determine the role of this variant in disease. Therefore, it has been classified as a Variant of Uncertain Significance. Algorithms developed to predict the effect of missense changes on protein structure and function output the following: SIFT: "Deleterious"; PolyPhen-2: "Benign"; Align-GVGD: "Class C0". The histidine amino acid residue is found in multiple mammalian species, which suggests that this missense change does not adversely affect protein function. ClinVar contains an entry for this variant (Variation ID: 448617). This variant has not been reported in the literature in individuals affected with SYNE1-related conditions. This variant is present in population databases (rs745707616, gnomAD 0.007%). This sequence change replaces asparagine, which is neutral and polar, with histidine, which is basic and polar, at codon 3290 of the SYNE1 protein (p.Asn3290His).

Athena Diagnostics
Classification: Uncertain significance. Last evaluated: 2017-03-28. Review status: criteria provided, single submitter. Criteria: Athena Diagnostics Criteria. Collection method: clinical testing. Allele origin: germline.

Breakthrough Genomics
Classification: Uncertain significance. Review status: criteria provided, single submitter. Criteria: ACMG Guidelines, 2015. Collection method: not provided. Allele origin: germline. Inheritance: Autosomal recessive inheritance. Affected: yes.

NM_182961.4(SYNE1):c.9847A>C (p.Asn3283His)

Gene: SYNE1 (spectrin repeat containing nuclear envelope protein 1; minus strand). Cytogenetic location: 6q25.2.
Variant type: single nucleotide variant.
Coding change: c.9847A>C on transcript NM_182961.4 (MANE Select); coding-DNA position 9847, A replaced by C.
Protein change: p.Asn3283His; replaces asparagine 3283 with histidine.
Molecular consequence: missense variant.
Genome position (GRCh38, 1-based): chr6:152,367,343, T>G on the plus strand (A>C on the coding strand, the complement: SYNE1 is on the minus strand). VCF-style: chr6-152367343-T-G. GRCh37 (hg19) VCF-style: chr6-152688478-T-G.
Other names: c.9868A>C, p.Asn3290His (NM_033071.5); short protein forms N3283H, N3290H.
Identifiers: ClinVar variation 448617 (VCV000448617.8), dbSNP rs745707616, ClinGen allele CA4057170.